The following is an entry in ClinVar:

ClinVar aggregate classification (germline): Benign. Review status: criteria provided, multiple submitters, no conflicts (2 of 4 stars). 5 submissions from 5 submitters: Benign (4). 1 of the submissions does not count toward it. Last evaluated 2026-08-01.

Conditions:
NSD2-related disorder. Also called: NSD2-related condition; NSD2 related disorders.

Allele frequency attached by ClinVar (database versions not stated): 1000 Genomes Project 30x 0.00515; 1000 Genomes Project 0.00539; TOPMed 0.00685; ESP Exome Variant Server 0.00892; gnomAD 0.01067 and 0.01090; gnomAD exomes 0.01191 and 0.01325; ExAC 0.01352.
gnomAD v4.1: 18,875 of 1,613,876 alleles (1.2%); highest among the groups gnomAD compares: Non-Finnish European, 1.2%; 189 homozygotes.

Submissions (5):

CeGaT Center for Human Genetics Tuebingen
Classification: Benign. Last evaluated: 2026-08-01. Review status: criteria provided, single submitter. Criteria: CeGaT Center For Human Genetics Tuebingen Variant Classification Criteria Version 2. Collection method: clinical testing. Allele origin: germline. Affected: yes. Observed: 22 variant alleles.
Comment: NSD2: BP4, BP7, BS1, BS2

Labcorp Genetics (formerly Invitae), Labcorp
Classification: Benign. Last evaluated: 2026-01-21. Review status: criteria provided, single submitter. Criteria: Invitae Variant Classification Sherloc (09022015). Collection method: clinical testing. Allele origin: germline.

GeneDx
Classification: Benign. Last evaluated: 2019-02-08. Review status: criteria provided, single submitter. Criteria: GeneDx Variant Classification Process June 2021. Collection method: clinical testing. Allele origin: germline. Affected: yes.

Breakthrough Genomics
Classification: Benign. Review status: criteria provided, single submitter. Criteria: ACMG Guidelines, 2015. Collection method: not provided. Allele origin: germline. Inheritance: Autosomal dominant inheritance. Affected: yes.

PreventionGenetics, part of Exact Sciences
Classification: Benign for NSD2-related condition. Last evaluated: 2019-05-28. Review status: no assertion criteria provided. Collection method: clinical testing. Allele origin: germline. Not counted in ClinVar's aggregate classification.
Comment: This variant is classified as benign based on ACMG/AMP sequence variant interpretation guidelines (Richards et al. 2015 PMID: 25741868, with internal and published modifications).

NM_001042424.3(NSD2):c.2814G>A (p.Pro938=)

Gene: NSD2 (nuclear receptor binding SET domain protein 2; plus strand). Cytogenetic location: 4p16.3.
Variant type: single nucleotide variant.
Coding change: c.2814G>A on transcript NM_001042424.3 (MANE Select); coding-DNA position 2814, G replaced by A.
Protein change: p.Pro938=; no amino-acid change (proline 938 retained).
Molecular consequence: synonymous variant.
Genome position (GRCh38, 1-based): chr4:1,956,121, G>A. VCF-style: chr4-1956121-G-A. GRCh37 (hg19) VCF-style: chr4-1957848-G-A.
Other names: c.2814G>A (NM_001042424.2); c.2814G>A, p.Pro938= (NM_133330.3, NM_133331.3, NM_133335.4).
Identifiers: ClinVar variation 348441 (VCV000348441.37), dbSNP rs62287053, ClinGen allele CA2812549.